The following is an entry in ClinVar:

ClinVar aggregate classification (germline): Uncertain significance (1 of 4 stars; one submission).

Conditions:
Neurodevelopmental disorder with or without hyperkinetic movements and seizures, autosomal dominant. Also called: Intellectual disability, autosomal dominant 8. Identifiers: MedGen C3280282, MONDO:0013655, OMIM 614254.

Submission:

Labcorp Genetics (formerly Invitae), Labcorp
Classification: Uncertain significance for Neurodevelopmental disorder with or without hyperkinetic movements and seizures, autosomal dominant. Last evaluated: 2022-08-09. Review status: criteria provided, single submitter. Criteria: Invitae Variant Classification Sherloc (09022015). Collection method: clinical testing. Allele origin: germline.
Comment: This sequence change replaces valine, which is neutral and non-polar, with glycine, which is neutral and non-polar, at codon 656 of the GRIN1 protein (p.Val656Gly). In summary, the available evidence is currently insufficient to determine the role of this variant in disease. Therefore, it has been classified as a Variant of Uncertain Significance. Advanced modeling of protein sequence and biophysical properties (such as structural, functional, and spatial information, amino acid conservation, physicochemical variation, residue mobility, and thermodynamic stability) performed at Invitae indicates that this missense variant is expected to disrupt GRIN1 protein function. This variant has not been reported in the literature in individuals affected with GRIN1-related conditions. This variant is not present in population databases (gnomAD no frequency).

NM_007327.4(GRIN1):c.1967T>G (p.Val656Gly)

Gene: GRIN1 (glutamate ionotropic receptor NMDA type subunit 1; plus strand). Cytogenetic location: 9q34.3.
Variant type: single nucleotide variant.
Coding change: c.1967T>G on transcript NM_007327.4 (MANE Select); coding-DNA position 1967, T replaced by G.
Protein change: p.Val656Gly; replaces valine 656 with glycine.
Molecular consequence: missense variant.
Genome position (GRCh38, 1-based): chr9:137,162,693, T>G. VCF-style: chr9-137162693-T-G. GRCh37 (hg19) VCF-style: chr9-140057145-T-G.
Other names: c.1967T>G, p.Val656Gly (NM_000832.7, NM_021569.4); c.2030T>G, p.Val677Gly (NM_001185090.2, NM_001185091.2); short protein forms V656G, V677G.
Identifiers: ClinVar variation 1715915 (VCV001715915.6), dbSNP rs2538641075, ClinGen allele CA375721145.